The following is an entry in ClinVar:

NM_005633.4(SOS1):c.14A>G (p.Gln5Arg)

Genes: SOS1 (SOS Ras/Rac guanine nucleotide exchange factor 1; minus strand), LOC129933535 (ATAC-STARR-seq lymphoblastoid silent region 11384; plus strand). Cytogenetic location: 2p22.1.
Variant type: single nucleotide variant.
Coding change: c.14A>G on transcript NM_005633.4 (MANE Select); coding-DNA position 14, A replaced by G.
Protein change: p.Gln5Arg; replaces glutamine 5 with arginine.
Molecular consequence: missense variant. On other transcripts: intron variant (1).
Genome position (GRCh38, 1-based): chr2:39,120,409, T>C on the plus strand (A>G on the coding strand, the complement: SOS1 is on the minus strand). VCF-style: chr2-39120409-T-C. GRCh37 (hg19) VCF-style: chr2-39347550-T-C.
Other names: c.14A>G, p.Gln5Arg (NM_001382395.1); c.66+4255A>G (NM_001382394.1); short protein forms Q5R.
Identifiers: ClinVar variation 4171993 (VCV004171993.1).
Genomic context (GRCh38, chr2:39,120,409, plus strand): 5'-GGCACCAGTAGTCCCCGCCACTTGGGCGCGTTCTCTTCGCTGAAAAACTCGTAGGGCAGC[T>C]GCTGCGCCTGCATGGTGCCCCCGGGGCGCCTCTGGGCGGGGAGAGGGGCGGCGGCGGCCG-3'
Protein context (NP_005624.2, residues 1-15): MQAQ[Gln5Arg]LPYEFFSEEN

ClinVar aggregate classification (germline): Uncertain significance (1 of 4 stars; one submission).

Conditions:
Cardiovascular phenotype. Identifiers: MedGen CN230736.

gnomAD v4.1: 1 of 1,593,730 alleles (0.000063%); highest among the groups gnomAD compares: African/African-American, 0.0014%; no homozygotes.

Submission:

Ambry Genetics
Classification: Uncertain significance for Cardiovascular phenotype. Last evaluated: 2025-08-07. Review status: criteria provided, single submitter. Criteria: Ambry Variant Classification Scheme 2023. Collection method: clinical testing. Allele origin: germline.
Comment: The p.Q5R variant (also known as c.14A>G), located in coding exon 1 of the SOS1 gene, results from an A to G substitution at nucleotide position 14. The glutamine at codon 5 is replaced by arginine, an amino acid with highly similar properties. This amino acid position is well conserved in available vertebrate species. In addition, this alteration is predicted to be tolerated by in silico analysis. Based on the available evidence, the clinical significance of this variant remains unclear.